The following is an entry in ClinVar:

NM_052947.4(ALPK2):c.1348A>G (p.Lys450Glu)

Gene: ALPK2 (alpha kinase 2; minus strand). Cytogenetic location: 18q21.31.
Variant type: single nucleotide variant.
Coding change: c.1348A>G on transcript NM_052947.4 (MANE Select); coding-DNA position 1348, A replaced by G.
Protein change: p.Lys450Glu; replaces lysine 450 with glutamic acid.
Molecular consequence: missense variant.
Genome position (GRCh38, 1-based): chr18:58,579,428, T>C on the plus strand (A>G on the coding strand, the complement: ALPK2 is on the minus strand). VCF-style: chr18-58579428-T-C. GRCh37 (hg19) VCF-style: chr18-56246660-T-C.
Other names: short protein forms K450E.
Identifiers: ClinVar variation 1770519 (VCV001770519.2), dbSNP rs1428282946, ClinGen allele CA402563405.

ClinVar aggregate classification (germline): Uncertain significance (1 of 4 stars; one submission).

Allele frequency attached by ClinVar (database versions not stated): gnomAD 0.00001; gnomAD exomes 0.00001; TOPMed 0.00001.
gnomAD v4.1: 21 of 1,613,998 alleles (0.0013%); highest among the groups gnomAD compares: South Asian, 0.014%; no homozygotes.

Submission:

Ambry Genetics
Classification: Uncertain significance. Last evaluated: 2024-01-17. Review status: criteria provided, single submitter. Criteria: Ambry Variant Classification Scheme 2023. Collection method: clinical testing. Allele origin: germline.
Comment: The p.K450E variant (also known as c.1348A>G), located in coding exon 3 of the ALPK2 gene, results from an A to G substitution at nucleotide position 1348. The lysine at codon 450 is replaced by glutamic acid, an amino acid with similar properties. This amino acid position is conserved. In addition, this alteration is predicted to be tolerated by in silico analysis. Since supporting evidence is limited at this time, the clinical significance of this alteration remains unclear.